The following is an entry in ClinVar:

NM_001267550.2(TTN):c.49049-13A>G

Genes: TTN (titin; minus strand), TTN-AS1 (TTN antisense RNA 1; plus strand), LOC126806426 (BRD4-independent group 4 enhancer GRCh37_chr2:179478848-179480047; plus strand). Cytogenetic location: 2q31.2.
Variant type: single nucleotide variant.
Coding change: c.49049-13A>G on transcript NM_001267550.2 (MANE Select); 13 bases into the intron before coding-DNA position 49049, A replaced by G.
Molecular consequence: intron variant. On other transcripts: non-coding transcript variant (1).
Genome position (GRCh38, 1-based): chr2:178,614,361, T>C on the plus strand (A>G on the coding strand, the complement: TTN is on the minus strand). VCF-style: chr2-178614361-T-C. GRCh37 (hg19) VCF-style: chr2-179479088-T-C.
Other names: c.21854-13A>G (NM_003319.4); c.22430-13A>G (NM_133437.4); c.22229-13A>G (NM_133432.3); c.41345-13A>G (NM_133378.4); c.44126-13A>G (NM_001256850.1).
Identifiers: ClinVar variation 393251 (VCV000393251.2), dbSNP rs1057524855, ClinGen allele CA16604014.

ClinVar aggregate classification (germline): Uncertain significance (1 of 4 stars; one submission).

Submission:

GeneDx
Classification: Uncertain significance. Last evaluated: 2017-02-01. Review status: criteria provided, single submitter. Criteria: GeneDx Variant Classification (06012015). Collection method: clinical testing. Allele origin: germline. Affected: yes.
Comment: A variant of uncertain significance has been identified in the TTN gene. The c.44126-13 A>G variant has not been published as pathogenic or been reported as benign to our knowledge. This variant is not observed in large population cohorts (Lek et al., 2016; Exome Variant Server). The c.44126-13 A>G variant is predicted to create a strong cryptic splice donor site upstream of the canonical splice donor site and may lead to abnormal gene splicing. While other truncating TTN variants have been reported in approximately 3% of control alleles, the c.44126-13 A>G variant affects an exon that is located in the A-band region of titin, where the majority of truncating pathogenic variants associated with DCM have been reported (Herman et al., 2012). However, to our knowledge no studies have been performed to determine the functional effect of the c.44126-13 A>G variant.